The following is an entry in ClinVar:

NM_025114.4(CEP290):c.6031C>T (p.Arg2011Ter)

Gene: CEP290 (centrosomal protein 290; minus strand). Cytogenetic location: 12q21.32.
Variant type: single nucleotide variant.
Coding change: c.6031C>T on transcript NM_025114.4 (MANE Select); coding-DNA position 6031, C replaced by T.
Protein change: p.Arg2011Ter; replaces arginine 2011 with a stop codon.
Molecular consequence: nonsense.
Genome position (GRCh38, 1-based): chr12:88,068,626, G>A on the plus strand (C>T on the coding strand, the complement: CEP290 is on the minus strand). VCF-style: chr12-88068626-G-A. GRCh37 (hg19) VCF-style: chr12-88462403-G-A.
Other names: c.6031C>T (NM_025114.3); short protein forms R2011*.
Identifiers: ClinVar variation 871059 (VCV000871059.51), dbSNP rs750073051, ClinGen allele CA241149784.

ClinVar aggregate classification (germline): Pathogenic. Review status: criteria provided, multiple submitters, no conflicts (2 of 4 stars). 7 submissions from 7 submitters: Pathogenic (7). Last evaluated 2025-10-07.

Conditions:
Bardet-Biedl syndrome 14 (BBS14). Identifiers: Orphanet 110, MedGen C2673874, MONDO:0014442, OMIM 615991.
Nephronophthisis. Also called: Juvenile Nephronophthisis. Identifiers: Orphanet 655, MedGen C0687120, MONDO:0019005, HP:0000090.
Joubert syndrome. Also called: Familial aplasia of the vermis; JOUBERT-BOLTSHAUSER SYNDROME. Identifiers: Orphanet 475, MedGen C5979921, MONDO:0018772.
Meckel-Gruber syndrome. Also called: Dysencephalia splachnocystica; DYSENCEPHALIA SPLANCHNOCYSTICA; GRUBER SYNDROME. Identifiers: Orphanet 564, MedGen C0265215, MONDO:0018921.
Leber congenital amaurosis (LCA). Also called: Leber's amaurosis. Identifiers: Orphanet 65, MedGen C0339527, MeSH D057130, MONDO:0018998.
CEP290-related ciliopathy. Also called: CEP290 ciliopathy. Identifiers: MedGen CN305601, MONDO:0100451.
Leber congenital amaurosis 10 (LCA10). Identifiers: Orphanet 65, MedGen C1857821, MONDO:0012723, OMIM 611755.
Meckel syndrome, type 4 (MKS4). Also called: MECKEL-GRUBER SYNDROME, TYPE 4. Identifiers: Orphanet 564, MedGen C1970161, MONDO:0012626, OMIM 611134.
Joubert syndrome 5 (JBTS5). Identifiers: Orphanet 2318, MedGen C1857780, MONDO:0012432, OMIM 610188.
Senior-Loken syndrome 6 (SLSN6). Identifiers: Orphanet 3156, MedGen C1857779, MONDO:0012433, OMIM 610189.

Allele frequency attached by ClinVar (database versions not stated): gnomAD exomes 0.00001; TOPMed below 0.00001; gnomAD 0.00001.
gnomAD v4.1: 19 of 1,593,038 alleles (0.0012%); highest among the groups gnomAD compares: East Asian, 0.0023%; no homozygotes.

Submissions (7):

Myriad Genetics, Inc.
Classification: Pathogenic for CEP290-related ciliopathy. Last evaluated: 2025-10-07. Review status: criteria provided, single submitter. Criteria: Myriad Autosomal Dominant, Autosomal Recessive and X-Linked Classification Criteria (2023). Collection method: clinical testing. Allele origin: unknown.
Comment: NM_025114.3(CEP290):c.6031C>T(R2011*) is a nonsense variant classified as pathogenic in the context of CEP290-related disorders. R2011* has been observed in a case with relevant disease (PMID: 17564967). Relevant functional assessments of this variant are not available in the literature. R2011* has been observed in referenced population frequency databases. In summary, NM_025114.3(CEP290):c.6031C>T(R2011*) is a nonsense variant in a gene where loss of function is a known mechanism of disease, is predicted to disrupt protein function, and has been observed more frequently in cases with the relevant disease than in healthy populations. Please note: this variant was assessed in the context of healthy population screening.

Natera, Inc.
Classification: Pathogenic for Leber congenital amaurosis. Last evaluated: 2025-05-21. Review status: criteria provided, single submitter. Criteria: Natera Variant Classification Schema (03/2026). Collection method: clinical testing. Allele origin: germline.
Comment: The c.6031C>T variant in CEP290 is a nonsense variant predicted to introduce a stop codon at amino acid 2011. This variant is expected to result in nonsense mediated decay, truncation, or a dysfunctional protein product. This variant is rare in the general population with a frequency below the threshold expected for the associated phenotype(s). This variant has been observed in one or more individuals affected with the associated recessive disease, as either homozygous or compound heterozygous with a second variant (PMID: 17705300). Given the available evidence, this variant is classified as Pathogenic.

Revvity Omics, Revvity
Classification: Pathogenic. Last evaluated: 2025-01-08. Review status: criteria provided, single submitter. Criteria: ACMG Guidelines, 2015. Collection method: clinical testing. Allele origin: germline.

Fulgent Genetics
Classification: Pathogenic for Joubert syndrome 5; Senior-Loken syndrome 6; Meckel syndrome, type 4; Leber congenital amaurosis 10; Bardet-Biedl syndrome 14. Last evaluated: 2024-06-03. Review status: criteria provided, single submitter. Criteria: ACMG Guidelines, 2015. Collection method: clinical testing. Allele origin: germline.

Labcorp Genetics (formerly Invitae), Labcorp
Classification: Pathogenic for Joubert syndrome; Meckel-Gruber syndrome; Nephronophthisis. Last evaluated: 2023-06-20. Review status: criteria provided, single submitter. Criteria: Invitae Variant Classification Sherloc (09022015). Collection method: clinical testing. Allele origin: germline.
Comment: For these reasons, this variant has been classified as Pathogenic. ClinVar contains an entry for this variant (Variation ID: 871059). This premature translational stop signal has been observed in individual(s) with clinical features of Leber congenital amaurosis (PMID: 17564967, 31054281). The frequency data for this variant in the population databases is considered unreliable, as metrics indicate poor data quality at this position in the gnomAD database. This sequence change creates a premature translational stop signal (p.Arg2011*) in the CEP290 gene. It is expected to result in an absent or disrupted protein product. Loss-of-function variants in CEP290 are known to be pathogenic (PMID: 16909394, 17345604, 20690115).

Baylor Genetics
Classification: Pathogenic for Bardet-Biedl syndrome 14. Last evaluated: 2023-05-23. Review status: criteria provided, single submitter. Criteria: ACMG Guidelines, 2015. Collection method: clinical testing. Allele origin: unknown.

CeGaT Center for Human Genetics Tuebingen
Classification: Pathogenic. Last evaluated: 2018-12-01. Review status: criteria provided, single submitter. Criteria: CeGaT Center For Human Genetics Tuebingen Variant Classification Criteria Version 2. Collection method: clinical testing. Allele origin: germline. Affected: yes. Observed: 3 variant alleles.

Literature cited by the submitters: PubMed 17564967 (cited by Myriad Genetics, Inc. and Labcorp Genetics (formerly Invitae), Labcorp); PubMed 17705300 (cited by Natera, Inc.); PubMed 31054281 (cited by Labcorp Genetics (formerly Invitae), Labcorp); PubMed 16909394 (cited by Labcorp Genetics (formerly Invitae), Labcorp); PubMed 17345604 (cited by Labcorp Genetics (formerly Invitae), Labcorp); PubMed 20690115 (cited by Labcorp Genetics (formerly Invitae), Labcorp).